The following is an entry in ClinVar:

NM_001271938.2(MEGF8):c.7786C>T (p.Leu2596=)

Gene: MEGF8 (multiple EGF like domains 8; plus strand). Cytogenetic location: 19q13.2.
Variant type: single nucleotide variant.
Coding change: c.7786C>T on transcript NM_001271938.2 (MANE Select); coding-DNA position 7786, C replaced by T.
Protein change: p.Leu2596=; no amino-acid change (leucine 2596 retained).
Molecular consequence: synonymous variant.
Genome position (GRCh38, 1-based): chr19:42,376,023, C>T. VCF-style: chr19-42376023-C-T. GRCh37 (hg19) VCF-style: chr19-42880175-C-T.
Other names: c.7585C>T, p.Leu2529= (NM_001410.3).
Identifiers: ClinVar variation 2650039 (VCV002650039.26), dbSNP rs140517402, ClinGen allele CA507708528.
Genomic context (GRCh38, chr19:42,376,023, plus strand): 5'-ACCTACGTGACGGTGACGGAGCCGTCGGCAGTGCTGGTGGTCCGCGGCGTGCGGGACCGG[C>T]TGGTCATCACCTACCCACACGAGCACCATGCCCTCAAGTCGAGCCGCTTCTACCTGCTGC-3'
Protein context (NP_001258867.1, residues 2586-2606): VLVVRGVRDR[Leu2596=]VITYPHEHHA

ClinVar aggregate classification (germline): Likely benign. Review status: criteria provided, multiple submitters, no conflicts (2 of 4 stars). 2 submissions from 2 submitters: Likely benign (2). Last evaluated 2024-08-13.

Conditions:
MEGF8-related Carpenter syndrome. Also called: Carpenter syndrome 2. Identifiers: Orphanet 65759, MedGen C3554247, MONDO:0013998, OMIM 614976.

gnomAD v4.1: 25 of 1,604,934 alleles (0.0016%); highest among the groups gnomAD compares: Non-Finnish European, 0.0018%; no homozygotes.

Submissions (2):

Labcorp Genetics (formerly Invitae), Labcorp
Classification: Likely benign for MEGF8-related Carpenter syndrome. Last evaluated: 2024-08-13. Review status: criteria provided, single submitter. Criteria: Invitae Variant Classification Sherloc (09022015). Collection method: clinical testing. Allele origin: germline.

CeGaT Center for Human Genetics Tuebingen
Classification: Likely benign. Last evaluated: 2023-03-01. Review status: criteria provided, single submitter. Criteria: CeGaT Center For Human Genetics Tuebingen Variant Classification Criteria Version 2. Collection method: clinical testing. Allele origin: germline. Affected: yes. Observed: 1 variant allele.
Comment: MEGF8: BP4, BP7